The following is an entry in ClinVar:

ClinVar aggregate classification (germline): Likely benign. Review status: criteria provided, multiple submitters, no conflicts (2 of 4 stars). 2 submissions from 2 submitters: Likely benign (2). Last evaluated 2026-03-27.

Conditions:
Cohen syndrome (COH1). Also called: Cutis verticis gyrata, retinitis pigmentosa, and sensorineural deafness; PEPPER SYNDROME. Identifiers: Orphanet 193, MedGen C0265223, MONDO:0008999, OMIM 216550.
VPS13B-related disorder. Also called: VPS13B-related condition.

Submissions (2):

PreventionGenetics, part of Exact Sciences
Classification: Likely benign for VPS13B-related condition. Last evaluated: 2026-03-27. Review status: criteria provided, single submitter. Criteria: ACMG Guidelines, 2015. Collection method: clinical testing. Allele origin: germline.
Comment: This variant is classified as likely benign based on ACMG/AMP sequence variant interpretation guidelines (Richards et al. 2015 PMID: 25741868, with internal and published modifications).

Labcorp Genetics (formerly Invitae), Labcorp
Classification: Likely benign for Cohen syndrome. Last evaluated: 2025-12-05. Review status: criteria provided, single submitter. Criteria: Invitae Variant Classification Sherloc (09022015). Collection method: clinical testing. Allele origin: germline.

NM_152564.5(VPS13B):c.8229A>G (p.Lys2743=)

Gene: VPS13B (vacuolar protein sorting 13 homolog B; plus strand). Cytogenetic location: 8q22.2.
Variant type: single nucleotide variant.
Coding change: c.8229A>G on transcript NM_152564.5 (MANE Select); coding-DNA position 8229, A replaced by G.
Protein change: p.Lys2743=; no amino-acid change (lysine 2743 retained).
Molecular consequence: synonymous variant.
Genome position (GRCh38, 1-based): chr8:99,817,671, A>G. VCF-style: chr8-99817671-A-G. GRCh37 (hg19) VCF-style: chr8-100829899-A-G.
Other names: c.8229A>G (NM_152564.4); c.8304A>G, p.Lys2768= (NM_017890.5).
Identifiers: ClinVar variation 1080358 (VCV001080358.10), dbSNP rs2130810840, ClinGen allele CA462457478.